The following is an entry in ClinVar:

ClinVar aggregate classification (germline): Uncertain significance (1 of 4 stars; one submission).

Allele frequency attached by ClinVar (database versions not stated): ExAC 0.00001; TOPMed 0.00002; gnomAD 0.00002; gnomAD exomes 0.00001.
gnomAD v4.1: 16 of 1,612,986 alleles (0.00099%); highest among the groups gnomAD compares: Admixed American, 0.013%; no homozygotes.

Submission:

Labcorp Genetics (formerly Invitae), Labcorp
Classification: Uncertain significance. Last evaluated: 2025-09-24. Review status: criteria provided, single submitter. Criteria: Invitae Variant Classification Sherloc (09022015). Collection method: clinical testing. Allele origin: germline.
Comment: This sequence change replaces asparagine, which is neutral and polar, with serine, which is neutral and polar, at codon 342 of the NAF1 protein (p.Asn342Ser). This variant is present in population databases (rs757172159, gnomAD 0.01%). This variant has not been reported in the literature in individuals affected with NAF1-related conditions. ClinVar contains an entry for this variant (Variation ID: 3015396). An algorithm developed to predict the effect of missense changes on protein structure and function outputs the following: PolyPhen-2: "Benign". The serine amino acid residue is found in multiple mammalian species, which suggests that this missense change does not adversely affect protein function. In summary, the available evidence is currently insufficient to determine the role of this variant in disease. Therefore, it has been classified as a Variant of Uncertain Significance.

NM_138386.3(NAF1):c.1025A>G (p.Asn342Ser)

Gene: NAF1 (nuclear assembly factor 1 ribonucleoprotein; minus strand). Cytogenetic location: 4q32.2.
Variant type: single nucleotide variant.
Coding change: c.1025A>G on transcript NM_138386.3 (MANE Select); coding-DNA position 1025, A replaced by G.
Protein change: p.Asn342Ser; replaces asparagine 342 with serine.
Molecular consequence: missense variant.
Genome position (GRCh38, 1-based): chr4:163,133,162, T>C on the plus strand (A>G on the coding strand, the complement: NAF1 is on the minus strand). VCF-style: chr4-163133162-T-C. GRCh37 (hg19) VCF-style: chr4-164054314-T-C.
Other names: c.1025A>G, p.Asn342Ser (NM_001128931.2); short protein forms N342S.
Identifiers: ClinVar variation 3015396 (VCV003015396.3), dbSNP rs757172159, ClinGen allele CA3126195.